The following is an entry in ClinVar:

NM_174878.3(CLRN1):c.127G>C (p.Gly43Arg)

Gene: CLRN1 (clarin 1; minus strand). Cytogenetic location: 3q25.1.
Variant type: single nucleotide variant.
Coding change: c.127G>C on transcript NM_174878.3 (MANE Select); coding-DNA position 127, G replaced by C.
Protein change: p.Gly43Arg; replaces glycine 43 with arginine.
Molecular consequence: missense variant. On other transcripts: non-coding transcript variant (1).
Genome position (GRCh38, 1-based): chr3:150,972,582, C>G on the plus strand (G>C on the coding strand, the complement: CLRN1 is on the minus strand). VCF-style: chr3-150972582-C-G. GRCh37 (hg19) VCF-style: chr3-150690369-C-G.
Other names: c.127G>C, p.Gly43Arg (NM_001195794.1, NM_001256819.2); short protein forms G43R.
Identifiers: ClinVar variation 2800316 (VCV002800316.3), dbSNP rs111033434, ClinGen allele CA355011994.

ClinVar aggregate classification (germline): Pathogenic (1 of 4 stars; one submission).

Submission:

Labcorp Genetics (formerly Invitae), Labcorp
Classification: Pathogenic. Last evaluated: 2023-11-20. Review status: criteria provided, single submitter. Criteria: Invitae Variant Classification Sherloc (09022015). Collection method: clinical testing. Allele origin: germline.
Comment: This sequence change replaces glycine, which is neutral and non-polar, with arginine, which is basic and polar, at codon 43 of the CLRN1 protein (p.Gly43Arg). This variant is not present in population databases (gnomAD no frequency). A different variant (c.127G>A) giving rise to the same protein effect has been determined to be pathogenic (PMID: 32037395). This suggests that this variant is also likely to be causative of disease. An algorithm developed to predict the effect of missense changes on protein structure and function (PolyPhen-2) suggests that this variant is likely to be disruptive. This variant disrupts the p.Gly43Val amino acid residue in CLRN1. Other variant(s) that disrupt this residue have been determined to be pathogenic (PMID: 32037395). This suggests that this residue is clinically significant, and that variants that disrupt this residue are likely to be disease-causing. For these reasons, this variant has been classified as Pathogenic.

Literature cited by the submitters: PubMed 32037395.